The following is an entry in ClinVar:

ClinVar aggregate classification (germline): Uncertain significance. Review status: criteria provided, multiple submitters, no conflicts (2 of 4 stars). 4 submissions from 4 submitters: Uncertain significance (3). 1 of the submissions does not count toward it. Last evaluated 2025-08-06.

Conditions:
Inborn genetic diseases. Identifiers: MedGen C0950123, MeSH D030342.
Usher syndrome type 2A. Also called: RETINAL DISEASE IN USHER SYNDROME TYPE IIA, MODIFIER OF; USHER SYNDROME, TYPE IIA. Identifiers: Orphanet 231178, Orphanet 886, MedGen C1848634, MONDO:0010169, OMIM 276901.

gnomAD v4.1: 20 of 1,614,088 alleles (0.0012%); highest among the groups gnomAD compares: Admixed American, 0.0017%; no homozygotes.

Submissions (4):

Ambry Genetics
Classification: Uncertain significance for Inborn genetic diseases. Last evaluated: 2025-08-06. Review status: criteria provided, single submitter. Criteria: Ambry Variant Classification Scheme 2023. Collection method: clinical testing. Allele origin: germline.

Labcorp Genetics (formerly Invitae), Labcorp
Classification: Uncertain significance. Last evaluated: 2022-04-08. Review status: criteria provided, single submitter. Criteria: Invitae Variant Classification Sherloc (09022015). Collection method: clinical testing. Allele origin: germline.
Comment: This sequence change replaces alanine, which is neutral and non-polar, with aspartic acid, which is acidic and polar, at codon 2246 of the USH2A protein (p.Ala2246Asp). This variant is present in population databases (no rsID available, gnomAD 0.003%). This variant has not been reported in the literature in individuals affected with USH2A-related conditions. Algorithms developed to predict the effect of missense changes on protein structure and function are either unavailable or do not agree on the potential impact of this missense change (SIFT: "Deleterious"; PolyPhen-2: "Benign"; Align-GVGD: "Class C15"). In summary, the available evidence is currently insufficient to determine the role of this variant in disease. Therefore, it has been classified as a Variant of Uncertain Significance.

Blueprint Genetics
Classification: Uncertain significance. Last evaluated: 2019-11-27. Review status: criteria provided, single submitter. Criteria: ACMG Guidelines, 2015. Collection method: clinical testing. Allele origin: germline.

Natera, Inc.
Classification: Uncertain significance for Usher syndrome type 2A. Last evaluated: 2025-03-17. Review status: no assertion criteria provided. Collection method: clinical testing. Allele origin: germline. Not counted in ClinVar's aggregate classification.

NM_206933.4(USH2A):c.6737C>A (p.Ala2246Asp)

Gene: USH2A (usherin; minus strand). Cytogenetic location: 1q41.
Variant type: single nucleotide variant.
Coding change: c.6737C>A on transcript NM_206933.4 (MANE Select); coding-DNA position 6737, C replaced by A.
Protein change: p.Ala2246Asp; replaces alanine 2246 with aspartic acid.
Molecular consequence: missense variant.
Genome position (GRCh38, 1-based): chr1:215,993,088, G>T on the plus strand (C>A on the coding strand, the complement: USH2A is on the minus strand). VCF-style: chr1-215993088-G-T. GRCh37 (hg19) VCF-style: chr1-216166430-G-T.
Other names: c.6737C>A (NM_206933.2); short protein forms A2246D.
Identifiers: ClinVar variation 2164451 (VCV002164451.4), dbSNP rs1457005908, ClinGen allele CA344860430.